The following is an entry in ClinVar:

ClinVar aggregate classification (germline): Uncertain significance (1 of 4 stars; one submission).

Conditions:
Muscular dystrophy-dystroglycanopathy (congenital with brain and eye anomalies), type a, 8 (MDDGA8). Also called: WALKER-WARBURG SYNDROME OR MUSCLE-EYE-BRAIN DISEASE, GTDC2-RELATED. Identifiers: Orphanet 899, MedGen C3553813, MONDO:0013904, OMIM 614830.

Submission:

Labcorp Genetics (formerly Invitae), Labcorp
Classification: Uncertain significance for Muscular dystrophy-dystroglycanopathy (congenital with brain and eye anomalies), type a, 8. Last evaluated: 2022-05-07. Review status: criteria provided, single submitter. Criteria: Invitae Variant Classification Sherloc (09022015). Collection method: clinical testing. Allele origin: germline.
Comment: In summary, the available evidence is currently insufficient to determine the role of this variant in disease. Therefore, it has been classified as a Variant of Uncertain Significance. Algorithms developed to predict the effect of missense changes on protein structure and function (SIFT, PolyPhen-2, Align-GVGD) all suggest that this variant is likely to be disruptive. This variant has not been reported in the literature in individuals affected with POMGNT2-related conditions. This variant is not present in population databases (gnomAD no frequency). This sequence change replaces proline, which is neutral and non-polar, with arginine, which is basic and polar, at codon 114 of the POMGNT2 protein (p.Pro114Arg).

NM_032806.6(POMGNT2):c.341C>G (p.Pro114Arg)

Gene: POMGNT2 (protein O-linked mannose N-acetylglucosaminyltransferase 2 (beta 1,4-); minus strand). Cytogenetic location: 3p22.1.
Variant type: single nucleotide variant.
Coding change: c.341C>G on transcript NM_032806.6 (MANE Select); coding-DNA position 341, C replaced by G.
Protein change: p.Pro114Arg; replaces proline 114 with arginine.
Molecular consequence: missense variant.
Genome position (GRCh38, 1-based): chr3:43,081,091, G>C on the plus strand (C>G on the coding strand, the complement: POMGNT2 is on the minus strand). VCF-style: chr3-43081091-G-C. GRCh37 (hg19) VCF-style: chr3-43122583-G-C.
Other names: short protein forms P114R.
Identifiers: ClinVar variation 1920078 (VCV001920078.5), dbSNP rs2528900224, ClinGen allele CA352303434.